The following is an entry in ClinVar:

NM_001035.3(RYR2):c.11202T>G (p.Arg3734=)

Gene: RYR2 (ryanodine receptor 2; plus strand). Cytogenetic location: 1q43.
Variant type: single nucleotide variant.
Coding change: c.11202T>G on transcript NM_001035.3 (MANE Select); coding-DNA position 11202, T replaced by G.
Protein change: p.Arg3734=; no amino-acid change (arginine 3734 retained).
Molecular consequence: synonymous variant.
Genome position (GRCh38, 1-based): chr1:237,756,344, T>G. VCF-style: chr1-237756344-T-G. GRCh37 (hg19) VCF-style: chr1-237919644-T-G.
Other names: p.Arg3734=; c.11202T>G (NM_001035.2).
Identifiers: ClinVar variation 924366 (VCV000924366.15), dbSNP rs763792914, ClinGen allele CA084812.

ClinVar aggregate classification (germline): Likely benign. Review status: criteria provided, multiple submitters, no conflicts (2 of 4 stars). 5 submissions from 5 submitters: Likely benign (5). Last evaluated 2025-11-16.

Conditions:
Cardiovascular phenotype. Identifiers: MedGen CN230736.
Catecholaminergic polymorphic ventricular tachycardia (CVPT). Also called: Catecholamine-induced polymorphic ventricular tachycardia. Identifiers: Orphanet 3286, MedGen C5574922, MONDO:0017990.
Catecholaminergic polymorphic ventricular tachycardia 1. Also called: VENTRICULAR TACHYCARDIA, CATECHOLAMINERGIC POLYMORPHIC, 1, WITH OR WITHOUT ATRIAL DYSFUNCTION AND/OR DILATED CARDIOMYOPATHY; RYR2-Related Catecholaminergic Polymorphic Ventricular Tachycardia; VENTRICULAR TACHYCARDIA, STRESS-INDUCED POLYMORPHIC 1. Identifiers: Orphanet 3286, MedGen C1631597, MONDO:0011484, OMIM 604772.
Cardiomyopathy (CMYO). Also called: Cardiomyopathies. Identifiers: Orphanet 167848, MedGen C0878544, MONDO:0004994, HP:0001638. Inheritance: Various modes of inheritance.

Allele frequency attached by ClinVar (database versions not stated): TOPMed 0.00001.

Submissions (5):

Mayo Clinic Laboratories, Mayo Clinic
Classification: Likely benign. Last evaluated: 2025-11-16. Review status: criteria provided, single submitter. Criteria: ACMG Guidelines, 2015. Collection method: clinical testing. Allele origin: germline. Observed: 1 variant allele.
Comment: BP4, BP7

Labcorp Genetics (formerly Invitae), Labcorp
Classification: Likely benign for Catecholaminergic polymorphic ventricular tachycardia 1. Last evaluated: 2025-08-11. Review status: criteria provided, single submitter. Criteria: Invitae Variant Classification Sherloc (09022015). Collection method: clinical testing. Allele origin: germline.

All of Us Research Program, National Institutes of Health
Classification: Likely benign for Catecholaminergic polymorphic ventricular tachycardia. Last evaluated: 2023-04-03. Review status: criteria provided, single submitter. Criteria: ACMG Guidelines, 2015. Collection method: clinical testing. Allele origin: germline. Inheritance: Autosomal dominant inheritance. Observed: 1 variant allele, 1 heterozygote.
Comment: This study involves interpretation of variants in research participants for the purpose of population health screening. Participant phenotype was not available at the time of variant classification. Additional details can be found in publication PMID: 35346344, PMCID: PMC8962531

Ambry Genetics
Classification: Likely benign for Cardiovascular phenotype. Last evaluated: 2021-01-24. Review status: criteria provided, single submitter. Criteria: Ambry Variant Classification Scheme 2023. Collection method: clinical testing. Allele origin: germline.

Color Diagnostics, LLC DBA Color Health
Classification: Likely benign for Cardiomyopathy. Last evaluated: 2019-08-20. Review status: criteria provided, single submitter. Criteria: ACMG Guidelines, 2015. Collection method: clinical testing. Allele origin: germline.